The following is an entry in ClinVar:

NM_021098.3(CACNA1H):c.2621G>C (p.Gly874Ala)

Gene: CACNA1H (calcium voltage-gated channel subunit alpha1 H; plus strand). Cytogenetic location: 16p13.3.
Variant type: single nucleotide variant.
Coding change: c.2621G>C on transcript NM_021098.3 (MANE Select); coding-DNA position 2621, G replaced by C.
Protein change: p.Gly874Ala; replaces glycine 874 with alanine.
Molecular consequence: missense variant.
Genome position (GRCh38, 1-based): chr16:1,206,121, G>C. VCF-style: chr16-1206121-G-C. GRCh37 (hg19) VCF-style: chr16-1256121-G-C.
Other names: c.2621G>C, p.Gly874Ala (NM_001005407.2); short protein forms G874A.
Identifiers: ClinVar variation 4790275 (VCV004790275.1).

ClinVar aggregate classification (germline): Uncertain significance (1 of 4 stars; one submission).

Conditions:
Hyperaldosteronism, familial, type IV (HALD4). Also called: FH IV; ALDOSTERONISM, PRIMARY, AND HYPERTENSION. Identifiers: Orphanet 642671, MedGen C4310756, MONDO:0014875, OMIM 617027.
Idiopathic generalized epilepsy. Also called: Generalised epilepsy; EIG. Identifiers: MedGen C0270850, MONDO:0005579, OMIM 600669.

Submission:

Labcorp Genetics (formerly Invitae), Labcorp
Classification: Uncertain significance for Idiopathic generalized epilepsy; Hyperaldosteronism, familial, type IV. Last evaluated: 2025-07-13. Review status: criteria provided, single submitter. Criteria: Invitae Variant Classification Sherloc (09022015). Collection method: clinical testing. Allele origin: germline.
Comment: This sequence change replaces glycine, which is neutral and non-polar, with alanine, which is neutral and non-polar, at codon 874 of the CACNA1H protein (p.Gly874Ala). This variant is not present in population databases (gnomAD no frequency). This variant has not been reported in the literature in individuals affected with CACNA1H-related conditions. Invitae Evidence Modeling of protein sequence and biophysical properties (such as structural, functional, and spatial information, amino acid conservation, physicochemical variation, residue mobility, and thermodynamic stability) indicates that this missense variant is not expected to disrupt CACNA1H protein function with a negative predictive value of 80%. In summary, the available evidence is currently insufficient to determine the role of this variant in disease. Therefore, it has been classified as a Variant of Uncertain Significance.